The following is an entry in ClinVar:

ClinVar aggregate classification (germline): Pathogenic (1 of 4 stars; one submission).

Conditions:
Alstrom syndrome (ALMS). Identifiers: Orphanet 64, MedGen C0268425, MONDO:0008763, OMIM 203800.

Submission:

Labcorp Genetics (formerly Invitae), Labcorp
Classification: Pathogenic for Alstrom syndrome. Last evaluated: 2025-12-22. Review status: criteria provided, single submitter. Criteria: Invitae Variant Classification Sherloc (09022015). Collection method: clinical testing. Allele origin: germline.
Comment: This sequence change creates a premature translational stop signal (p.Lys2766Leufs*22) in the ALMS1 gene. It is expected to result in an absent or disrupted protein product. Loss-of-function variants in ALMS1 are known to be pathogenic (PMID: 17594715). This variant is not present in population databases (gnomAD no frequency). This variant has not been reported in the literature in individuals affected with ALMS1-related conditions. For these reasons, this variant has been classified as Pathogenic.

Literature cited by the submitters: PubMed 17594715.

NM_001378454.1(ALMS1):c.8291_8292dup (p.Lys2765fs)

Gene: ALMS1 (ALMS1 centrosome and basal body associated protein; plus strand). Cytogenetic location: 2p13.1.
Variant type: Duplication.
Coding change: c.8291_8292dup on transcript NM_001378454.1 (MANE Select); coding-DNA positions 8291 to 8292, 2 bases duplicated (TT; older notation c.8291_8292dupTT).
Protein change: p.Lys2765fs; shifts the reading frame from lysine 2765.
Molecular consequence: frameshift variant.
Genome position (GRCh38, 1-based): chr2:73,490,250-73,490,251, TT duplicated. VCF-style (leftmost placement, unchanged base first): chr2-73490249-C-CTT. GRCh37 (hg19) VCF-style: chr2-73717376-C-CTT.
Other names: c.8294_8295dup, p.Lys2766fs (NM_015120.4); short protein forms K2766fs, K2765fs.
Identifiers: ClinVar variation 4775660 (VCV004775660.1).